The following is an entry in ClinVar:

ClinVar aggregate classification (germline): Likely pathogenic (1 of 4 stars; one submission).

Conditions:
Inborn genetic diseases. Identifiers: MedGen C0950123, MeSH D030342.

Submission:

Ambry Genetics
Classification: Likely pathogenic for Inborn genetic diseases. Last evaluated: 2018-02-20. Review status: criteria provided, single submitter. Criteria: Ambry Variant Classification Scheme 2023. Collection method: clinical testing. Allele origin: germline.
Comment: The p.D1443H variant (also known as c.4327G>C), located in coding exon 22 of the SCN1A gene, results from a G to C substitution at nucleotide position 4327. The aspartic acid at codon 1443 is replaced by histidine, an amino acid with similar properties. This variant has been determined to be the result of a de novo mutation or germline mosaicism in one family with an isolated case of epileptic encephalopathy (Ambry internal data). This alteration is indicated to be structurally deleterious (Ambry internal data; Yan Z et al. Cell, 2017 Jul;170:470-482.e11). This amino acid position is highly conserved in available vertebrate species. In addition, this alteration is predicted to be deleterious by in silico analysis. Based on the majority of available evidence to date, this variant is likely to be pathogenic.

Literature cited by the submitters: PubMed 28735751.

NM_001165963.4(SCN1A):c.4327G>C (p.Asp1443His)

Genes: SCN1A (sodium voltage-gated channel alpha subunit 1; minus strand), LOC102724058 (uncharacterized LOC102724058; plus strand). Cytogenetic location: 2q24.3.
Variant type: single nucleotide variant.
Coding change: c.4327G>C on transcript NM_001165963.4 (MANE Select); coding-DNA position 4327, G replaced by C.
Protein change: p.Asp1443His; replaces aspartic acid 1443 with histidine.
Molecular consequence: missense variant. On other transcripts: non-coding transcript variant (1).
Genome position (GRCh38, 1-based): chr2:165,999,734, C>G on the plus strand (G>C on the coding strand, the complement: SCN1A is on the minus strand). VCF-style: chr2-165999734-C-G. GRCh37 (hg19) VCF-style: chr2-166856244-C-G.
Other names: c.4243G>C, p.Asp1415His (NM_001165964.3, NM_001353957.2, NM_001353958.2); c.4327G>C, p.Asp1443His (NM_001202435.3, NM_001353948.2); c.4294G>C, p.Asp1432His (NM_001353949.2, NM_001353950.2, NM_001353951.2 and 2 more transcripts); c.4291G>C, p.Asp1431His (NM_001353954.2, NM_001353955.2); c.4240G>C, p.Asp1414His (NM_001353960.2); c.1885G>C, p.Asp629His (NM_001353961.2); short protein forms D1414H, D1431H, D1443H, D1415H, D629H, D1432H.
Identifiers: ClinVar variation 1739737 (VCV001739737.2), dbSNP rs1573991676, ClinGen allele CA349049553.